The following is an entry in ClinVar:

NM_000465.4(BARD1):c.1733C>T (p.Ser578Phe)

Gene: BARD1 (BRCA1 associated RING domain 1; minus strand). Cytogenetic location: 2q35.
Variant type: single nucleotide variant.
Coding change: c.1733C>T on transcript NM_000465.4 (MANE Select); coding-DNA position 1733, C replaced by T.
Protein change: p.Ser578Phe; replaces serine 578 with phenylalanine.
Molecular consequence: missense variant. On other transcripts: non-coding transcript variant (3), intron variant (1).
Genome position (GRCh38, 1-based): chr2:214,745,799, G>A on the plus strand (C>T on the coding strand, the complement: BARD1 is on the minus strand). VCF-style: chr2-214745799-G-A. GRCh37 (hg19) VCF-style: chr2-215610523-G-A.
Other names: c.1676C>T, p.Ser559Phe (NM_001282543.2); c.380C>T, p.Ser127Phe (NM_001282545.2); c.323C>T, p.Ser108Phe (NM_001282548.2); c.365-15291C>T (NM_001282549.2); short protein forms S578F, S127F, S559F, S108F.
Identifiers: ClinVar variation 185865 (VCV000185865.19), dbSNP rs786202519, ClinGen allele CA193191.

ClinVar aggregate classification (germline): Uncertain significance. Review status: criteria provided, multiple submitters, no conflicts (2 of 4 stars). 3 submissions from 3 submitters: Uncertain significance (3). Last evaluated 2024-12-23.

Conditions:
Hereditary cancer-predisposing syndrome. Also called: Hereditary neoplastic syndrome; Neoplastic Syndromes, Hereditary; Tumor predisposition; Hereditary Cancer Syndrome. Identifiers: Orphanet 140162, MedGen C0027672, MeSH D009386, MONDO:0015356.
Familial cancer of breast. Also called: BREAST CANCER, FAMILIAL; Hereditary breast cancer; hereditary breast carcinoma. Identifiers: Orphanet 227535, MedGen C0346153, MONDO:0016419, OMIM 114480. Disease mechanism: loss of function.

Submissions (3):

Ambry Genetics
Classification: Uncertain significance for Hereditary cancer-predisposing syndrome. Last evaluated: 2024-12-23. Review status: criteria provided, single submitter. Criteria: Ambry Variant Classification Scheme 2023. Collection method: clinical testing. Allele origin: germline.
Comment: The p.S578F variant (also known as c.1733C>T), located in coding exon 8 of the BARD1 gene, results from a C to T substitution at nucleotide position 1733. The serine at codon 578 is replaced by phenylalanine, an amino acid with highly dissimilar properties. This amino acid position is well conserved in available vertebrate species. In addition, the in silico prediction for this alteration is inconclusive. Since supporting evidence is limited at this time, the clinical significance of this alteration remains unclear.

Labcorp Genetics (formerly Invitae), Labcorp
Classification: Uncertain significance for Familial cancer of breast. Last evaluated: 2024-04-29. Review status: criteria provided, single submitter. Criteria: Invitae Variant Classification Sherloc (09022015). Collection method: clinical testing. Allele origin: germline.
Comment: This sequence change replaces serine, which is neutral and polar, with phenylalanine, which is neutral and non-polar, at codon 578 of the BARD1 protein (p.Ser578Phe). This variant is not present in population databases (gnomAD no frequency). This variant has not been reported in the literature in individuals affected with BARD1-related conditions. ClinVar contains an entry for this variant (Variation ID: 185865). An algorithm developed to predict the effect of missense changes on protein structure and function (PolyPhen-2) suggests that this variant is likely to be disruptive. In summary, the available evidence is currently insufficient to determine the role of this variant in disease. Therefore, it has been classified as a Variant of Uncertain Significance.

Color Diagnostics, LLC DBA Color Health
Classification: Uncertain significance for Hereditary cancer-predisposing syndrome. Last evaluated: 2024-03-06. Review status: criteria provided, single submitter. Criteria: ACMG Guidelines, 2015. Collection method: clinical testing. Allele origin: germline.
Comment: This missense variant replaces serine with phenylalanine at codon 578 of the BARD1 protein. Computational prediction suggests that this variant may not impact protein structure and function (internally defined REVEL score threshold <= 0.5, PMID: 27666373). To our knowledge, functional studies have not been reported for this variant. This variant has not been reported in individuals affected with hereditary cancer in the literature. This variant has not been identified in the general population by the Genome Aggregation Database (gnomAD). The available evidence is insufficient to determine the role of this variant in disease conclusively. Therefore, this variant is classified as a Variant of Uncertain Significance.